The following is an entry in ClinVar:

NM_001144958.2(CRACR2A):c.762+25G>T

Gene: CRACR2A (calcium release activated channel regulator 2A; minus strand). Cytogenetic location: 12p13.32.
Variant type: single nucleotide variant.
Coding change: c.762+25G>T on transcript NM_001144958.2 (MANE Select); 25 bases into the intron after coding-DNA position 762, G replaced by T.
Molecular consequence: intron variant.
Genome position (GRCh38, 1-based): chr12:3,659,539, C>A on the plus strand (G>T on the coding strand, the complement: CRACR2A is on the minus strand). VCF-style: chr12-3659539-C-A. GRCh37 (hg19) VCF-style: chr12-3768705-C-A.
Other names: c.762+25G>T (NM_032680.4).
Identifiers: ClinVar variation 2688280 (VCV002688280.2), dbSNP rs10848906, ClinGen allele CA6394604.

ClinVar aggregate classification (germline): Benign (1 of 4 stars; one submission).

Allele frequency attached by ClinVar (database versions not stated): TOPMed 0.21241; ESP Exome Variant Server 0.21421; gnomAD 0.22103; 1000 Genomes Project 0.24201; ExAC 0.26741.
gnomAD v4.1: 444,831 of 1,609,306 alleles (28%); highest among the groups gnomAD compares: East Asian, 43%; 64,795 homozygotes.

Submission:

Unidad de Genómica Garrahan, Hospital de Pediatría Garrahan
Classification: Benign. Last evaluated: 2024-01-24. Review status: criteria provided, single submitter. Criteria: ACMG Guidelines, 2015. Collection method: clinical testing. Allele origin: germline. Affected: no. Observed: 25 variant alleles.
Comment: This variant is classified as Benign based on local population frequency. This variant was detected in 26% of patients studied by a panel of primary immunodeficiencies. Number of patients: 25. Only high quality variants are reported.